The following is an entry in ClinVar:

ClinVar aggregate classification (germline): Uncertain significance. Review status: criteria provided, multiple submitters, no conflicts (2 of 4 stars). 2 submissions from 2 submitters: Uncertain significance (2). Last evaluated 2024-12-16.

Conditions:
Neuroblastoma, susceptibility to, 3. Also called: ALK-Related Neuroblastic Tumor Susceptibility. Identifiers: Orphanet 635, MedGen C2751681, MONDO:0013083, OMIM 613014.
Hereditary cancer-predisposing syndrome. Also called: Hereditary Cancer Syndrome; Hereditary neoplastic syndrome; Tumor predisposition; Neoplastic Syndromes, Hereditary. Identifiers: Orphanet 140162, MedGen C0027672, MeSH D009386, MONDO:0015356.

gnomAD v4.1: 1 of 1,614,114 alleles (0.000062%); highest among the groups gnomAD compares: African/African-American, 0.0013%; no homozygotes.

Submissions (2):

Ambry Genetics
Classification: Uncertain significance for Hereditary cancer-predisposing syndrome. Last evaluated: 2024-12-16. Review status: criteria provided, single submitter. Criteria: Ambry Variant Classification Scheme 2023. Collection method: clinical testing. Allele origin: germline.
Comment: The p.Q698R variant (also known as c.2093A>G), located in coding exon 12 of the ALK gene, results from an A to G substitution at nucleotide position 2093. The glutamine at codon 698 is replaced by arginine, an amino acid with highly similar properties. This amino acid position is conserved. In addition, this alteration is predicted to be deleterious by in silico analysis. Based on the available evidence, the clinical significance of this variant remains unclear.

Labcorp Genetics (formerly Invitae), Labcorp
Classification: Uncertain significance for Neuroblastoma, susceptibility to, 3. Last evaluated: 2021-02-05. Review status: criteria provided, single submitter. Criteria: Invitae Variant Classification Sherloc (09022015). Collection method: clinical testing. Allele origin: germline.
Comment: This variant has not been reported in the literature in individuals with ALK-related conditions. In summary, the available evidence is currently insufficient to determine the role of this variant in disease. Therefore, it has been classified as a Variant of Uncertain Significance. Algorithms developed to predict the effect of missense changes on protein structure and function (SIFT, PolyPhen-2, Align-GVGD) all suggest that this variant is likely to be disruptive, but these predictions have not been confirmed by published functional studies and their clinical significance is uncertain. This variant is not present in population databases (ExAC no frequency). This sequence change replaces glutamine with arginine at codon 698 of the ALK protein (p.Gln698Arg). The glutamine residue is highly conserved and there is a small physicochemical difference between glutamine and arginine.

NM_004304.5(ALK):c.2093A>G (p.Gln698Arg)

Gene: ALK (ALK receptor tyrosine kinase; minus strand). Cytogenetic location: 2p23.2.
Variant type: single nucleotide variant.
Coding change: c.2093A>G on transcript NM_004304.5 (MANE Select); coding-DNA position 2093, A replaced by G.
Protein change: p.Gln698Arg; replaces glutamine 698 with arginine.
Molecular consequence: missense variant.
Genome position (GRCh38, 1-based): chr2:29,251,216, T>C on the plus strand (A>G on the coding strand, the complement: ALK is on the minus strand). VCF-style: chr2-29251216-T-C. GRCh37 (hg19) VCF-style: chr2-29474082-T-C.
Other names: c.2093A>G (NM_004304.4); short protein forms Q698R.
Identifiers: ClinVar variation 1357100 (VCV001357100.9), dbSNP rs2148197557, ClinGen allele CA346477083.